The following is an entry in ClinVar:

ClinVar aggregate classification (germline): Uncertain significance. Review status: criteria provided, multiple submitters, no conflicts (2 of 4 stars). 3 submissions from 3 submitters: Uncertain significance (3). Last evaluated 2026-07-01.

Conditions:
IMPDH1-related disorder. Also called: IMPDH1-related disorders; IMPDH1-related condition.
Inborn genetic diseases. Identifiers: MedGen C0950123, MeSH D030342.

Allele frequency attached by ClinVar (database versions not stated): ExAC 0.00001; gnomAD exomes 0.00002; TOPMed 0.00002; gnomAD 0.00003.
gnomAD v4.1: 29 of 1,613,512 alleles (0.0018%); highest among the groups gnomAD compares: Non-Finnish European, 0.0023%; no homozygotes.

Submissions (3):

PreventionGenetics, part of Exact Sciences
Classification: Uncertain significance for IMPDH1-related condition. Last evaluated: 2026-07-01. Review status: criteria provided, single submitter. Criteria: ACMG Guidelines, 2015. Collection method: clinical testing. Allele origin: germline.
Comment: The IMPDH1 c.1085A>C variant is predicted to result in the amino acid substitution p.Gln362Pro. To our knowledge, this variant has not been reported in the literature. This variant is reported in 0.0040% of alleles in individuals of African descent in gnomAD. At this time, the clinical significance of this variant is uncertain due to the absence of conclusive functional and genetic evidence.

Ambry Genetics
Classification: Uncertain significance for Inborn genetic diseases. Last evaluated: 2025-02-10. Review status: criteria provided, single submitter. Criteria: Ambry Variant Classification Scheme 2023. Collection method: clinical testing. Allele origin: germline.

Labcorp Genetics (formerly Invitae), Labcorp
Classification: Uncertain significance. Last evaluated: 2024-01-31. Review status: criteria provided, single submitter. Criteria: Invitae Variant Classification Sherloc (09022015). Collection method: clinical testing. Allele origin: germline.
Comment: This sequence change replaces glutamine, which is neutral and polar, with proline, which is neutral and non-polar, at codon 362 of the IMPDH1 protein (p.Gln362Pro). This variant is present in population databases (rs757249176, gnomAD 0.004%). This variant has not been reported in the literature in individuals affected with IMPDH1-related conditions. ClinVar contains an entry for this variant (Variation ID: 2061664). An algorithm developed to predict the effect of missense changes on protein structure and function (PolyPhen-2) suggests that this variant is likely to be disruptive. In summary, the available evidence is currently insufficient to determine the role of this variant in disease. Therefore, it has been classified as a Variant of Uncertain Significance.

NM_000883.4(IMPDH1):c.1085A>C (p.Gln362Pro)

Gene: IMPDH1 (inosine monophosphate dehydrogenase 1; minus strand). Cytogenetic location: 7q32.1.
Variant type: single nucleotide variant.
Coding change: c.1085A>C on transcript NM_000883.4 (MANE Select); coding-DNA position 1085, A replaced by C.
Protein change: p.Gln362Pro; replaces glutamine 362 with proline.
Molecular consequence: missense variant.
Genome position (GRCh38, 1-based): chr7:128,397,012, T>G on the plus strand (A>C on the coding strand, the complement: IMPDH1 is on the minus strand). VCF-style: chr7-128397012-T-G. GRCh37 (hg19) VCF-style: chr7-128037066-T-G.
Other names: c.1055A>C, p.Gln352Pro (NM_001102605.2); c.830A>C, p.Gln277Pro (NM_001142573.2); c.815A>C, p.Gln272Pro (NM_001142574.2); c.755A>C, p.Gln252Pro (NM_001142575.2); c.986A>C, p.Gln329Pro (NM_001142576.2); c.878A>C, p.Gln293Pro (NM_001304521.2); c.977A>C, p.Gln326Pro (NM_183243.3); c.1085A>C (NM_000883.3); short protein forms Q252P, Q293P, Q352P, Q277P, Q326P, Q272P, Q329P, Q362P.
Identifiers: ClinVar variation 2061664 (VCV002061664.6), dbSNP rs757249176, ClinGen allele CA4470946.
Genomic context (GRCh38, chr7:128,397,012, plus strand): 5'-AGGTGGGGGTACTTCTGTTTGATGTAATGCACCATGGCGATCTGATACACCGAATTCCCT[T>G]GGGACGAGTCCTGTGAGAAAGGACGGAAGAGCTTGGGCTTAGACAGCTGAGGATTCTCAA-3'
Protein context (NP_000874.2, residues 352-372): GVDVIVLDSS[Gln362Pro]GNSVYQIAMV